The following is an entry in ClinVar:

ClinVar aggregate classification (germline): Uncertain significance (1 of 4 stars; one submission).

Conditions:
Fanconi anemia (FA). Also called: Fanconi's anemia. Identifiers: Orphanet 84, MedGen C0015625, MeSH D005199, MONDO:0019391.

gnomAD v4.1: 1 of 1,614,166 alleles (0.000062%); highest among the groups gnomAD compares: Non-Finnish European, 0.000085%; no homozygotes.

Submission:

Labcorp Genetics (formerly Invitae), Labcorp
Classification: Uncertain significance for Fanconi anemia. Last evaluated: 2022-08-23. Review status: criteria provided, single submitter. Criteria: Invitae Variant Classification Sherloc (09022015). Collection method: clinical testing. Allele origin: germline.
Comment: This sequence change replaces histidine, which is basic and polar, with glutamine, which is neutral and polar, at codon 1343 of the FANCA protein (p.His1343Gln). In summary, the available evidence is currently insufficient to determine the role of this variant in disease. Therefore, it has been classified as a Variant of Uncertain Significance. Algorithms developed to predict the effect of sequence changes on RNA splicing suggest that this variant may disrupt the consensus splice site. Advanced modeling of protein sequence and biophysical properties (such as structural, functional, and spatial information, amino acid conservation, physicochemical variation, residue mobility, and thermodynamic stability) performed at Invitae indicates that this missense variant is not expected to disrupt FANCA protein function. ClinVar contains an entry for this variant (Variation ID: 1499615). This missense change has been observed in individual(s) with clinical features of Fanconi anemia (PMID: 24584348). This variant is not present in population databases (gnomAD no frequency).

Literature cited by the submitters: PubMed 24584348.

NM_000135.4(FANCA):c.4029T>G (p.His1343Gln)

Genes: FANCA (FA complementation group A; minus strand), ZNF276 (zinc finger protein 276; plus strand). Cytogenetic location: 16q24.3.
Variant type: single nucleotide variant.
Coding change: c.4029T>G on transcript NM_000135.4 (MANE Select); coding-DNA position 4029, T replaced by G.
Protein change: p.His1343Gln; replaces histidine 1343 with glutamine.
Molecular consequence: missense variant. On other transcripts: 3 prime UTR variant (2), non-coding transcript variant (4).
Genome position (GRCh38, 1-based): chr16:89,739,271, A>C on the plus strand (T>G on the coding strand, the complement: FANCA is on the minus strand). VCF-style: chr16-89739271-A-C. GRCh37 (hg19) VCF-style: chr16-89805679-A-C.
Other names: c.4029T>G, p.His1343Gln (NM_001286167.3); c.*1025A>C (NM_001113525.2, NM_152287.4); short protein forms H1343Q.
Identifiers: ClinVar variation 1499615 (VCV001499615.8), dbSNP rs745577614, ClinGen allele CA397484684.